The following is an entry in ClinVar:

NM_004586.3(RPS6KA3):c.1793C>T (p.Ala598Val)

Gene: RPS6KA3 (ribosomal protein S6 kinase A3; minus strand). Cytogenetic location: Xp22.12.
Variant type: single nucleotide variant.
Coding change: c.1793C>T on transcript NM_004586.3 (MANE Select); coding-DNA position 1793, C replaced by T.
Protein change: p.Ala598Val; replaces alanine 598 with valine.
Molecular consequence: missense variant.
Genome position (GRCh38, 1-based): chrX:20,163,012, G>A on the plus strand (C>T on the coding strand, the complement: RPS6KA3 is on the minus strand). VCF-style: chrX-20163012-G-A. GRCh37 (hg19) VCF-style: chrX-20181130-G-A.
Other names: c.1709C>T, p.Ala570Val (NM_001438340.1); short protein forms A570V, A598V.
Identifiers: ClinVar variation 4975506 (VCV004975506.1).

ClinVar aggregate classification (germline): Uncertain significance (1 of 4 stars; one submission).

Submission:

GeneDx
Classification: Uncertain significance. Last evaluated: 2026-01-26. Review status: criteria provided, single submitter. Criteria: GeneDx Variant Classification Process June 2021. Collection method: clinical testing. Allele origin: germline.
Comment: Not observed at significant frequency in large population cohorts (gnomAD); In silico analysis supports that this missense variant has a deleterious effect on protein structure/function; Has not been previously published as pathogenic or benign to our knowledge